The following is an entry in ClinVar:

NM_004304.5(ALK):c.2494G>A (p.Asp832Asn)

Gene: ALK (ALK receptor tyrosine kinase; minus strand). Cytogenetic location: 2p23.2.
Variant type: single nucleotide variant.
Coding change: c.2494G>A on transcript NM_004304.5 (MANE Select); coding-DNA position 2494, G replaced by A.
Protein change: p.Asp832Asn; replaces aspartic acid 832 with asparagine.
Molecular consequence: missense variant.
Genome position (GRCh38, 1-based): chr2:29,232,442, C>T on the plus strand (G>A on the coding strand, the complement: ALK is on the minus strand). VCF-style: chr2-29232442-C-T. GRCh37 (hg19) VCF-style: chr2-29455308-C-T.
Other names: short protein forms D832N.
Identifiers: ClinVar variation 1511236 (VCV001511236.11), dbSNP rs1376612666, ClinGen allele CA346472051.

ClinVar aggregate classification (germline): Uncertain significance. Review status: criteria provided, multiple submitters, no conflicts (2 of 4 stars). 2 submissions from 2 submitters: Uncertain significance (2). Last evaluated 2024-11-11.

Conditions:
Hereditary cancer-predisposing syndrome. Also called: Neoplastic Syndromes, Hereditary; Hereditary Cancer Syndrome; Tumor predisposition; Hereditary neoplastic syndrome. Identifiers: Orphanet 140162, MedGen C0027672, MeSH D009386, MONDO:0015356.
Neuroblastoma, susceptibility to, 3. Also called: ALK-Related Neuroblastic Tumor Susceptibility. Identifiers: Orphanet 635, MedGen C2751681, MONDO:0013083, OMIM 613014.

gnomAD v4.1: 1 of 1,614,270 alleles (0.000062%); highest among the groups gnomAD compares: Non-Finnish European, 0.000085%; no homozygotes.

Submissions (2):

Ambry Genetics
Classification: Uncertain significance for Hereditary cancer-predisposing syndrome. Last evaluated: 2024-11-11. Review status: criteria provided, single submitter. Criteria: Ambry Variant Classification Scheme 2023. Collection method: clinical testing. Allele origin: germline.
Comment: The p.D832N variant (also known as c.2494G>A), located in coding exon 15 of the ALK gene, results from a G to A substitution at nucleotide position 2494. The aspartic acid at codon 832 is replaced by asparagine, an amino acid with highly similar properties. This amino acid position is conserved. In addition, this alteration is predicted to be tolerated by in silico analysis. Since supporting evidence is limited at this time, the clinical significance of this alteration remains unclear.

Labcorp Genetics (formerly Invitae), Labcorp
Classification: Uncertain significance for Neuroblastoma, susceptibility to, 3. Last evaluated: 2024-08-29. Review status: criteria provided, single submitter. Criteria: Invitae Variant Classification Sherloc (09022015). Collection method: clinical testing. Allele origin: germline.
Comment: This sequence change replaces aspartic acid, which is acidic and polar, with asparagine, which is neutral and polar, at codon 832 of the ALK protein (p.Asp832Asn). This variant is not present in population databases (gnomAD no frequency). This variant has not been reported in the literature in individuals affected with ALK-related conditions. ClinVar contains an entry for this variant (Variation ID: 1511236). An algorithm developed to predict the effect of missense changes on protein structure and function outputs the following: PolyPhen-2: "Benign". The asparagine amino acid residue is found in multiple mammalian species, which suggests that this missense change does not adversely affect protein function. In summary, the available evidence is currently insufficient to determine the role of this variant in disease. Therefore, it has been classified as a Variant of Uncertain Significance.